The following is an entry in ClinVar:

ClinVar aggregate classification (germline): Uncertain significance. Review status: criteria provided, multiple submitters, no conflicts (2 of 4 stars). 2 submissions from 2 submitters: Uncertain significance (2). Last evaluated 2025-06-24.

Conditions:
Hereditary cancer-predisposing syndrome. Also called: Hereditary Cancer Syndrome; Neoplastic Syndromes, Hereditary; Tumor predisposition; Hereditary neoplastic syndrome. Identifiers: Orphanet 140162, MedGen C0027672, MeSH D009386, MONDO:0015356.
Cardiovascular phenotype. Identifiers: MedGen CN230736.

Allele frequency attached by ClinVar (database versions not stated): gnomAD exomes below 0.00001.

Submissions (2):

Ambry Genetics
Classification: Uncertain significance for Cardiovascular phenotype; Hereditary cancer-predisposing syndrome. Last evaluated: 2025-06-24. Review status: criteria provided, single submitter. Criteria: Ambry Variant Classification Scheme 2023. Collection method: clinical testing. Allele origin: germline.
Comment: The c.2459_2460insTA variant, located in coding exon 21 of the LZTR1 gene, results from an insertion of two nucleotides at position 2459, causing a translational frameshift with a predicted alternate stop codon (p.I821Tfs*2). This alteration occurs at the 3' terminus of theLZTR1 gene, is not expected to trigger nonsense-mediated mRNAdecay, and impacts the last 2.4% of the protein. The exact functional effect of this alteration is unknown. Based on the available evidence, the clinical significance of this variant remains unclear.

Labcorp Genetics (formerly Invitae), Labcorp
Classification: Uncertain significance. Last evaluated: 2023-11-05. Review status: criteria provided, single submitter. Criteria: Invitae Variant Classification Sherloc (09022015). Collection method: clinical testing. Allele origin: germline.
Comment: This sequence change creates a premature translational stop signal (p.Ile821Thrfs*2) in the LZTR1 gene. While this is not anticipated to result in nonsense mediated decay, it is expected to disrupt the last 20 amino acid(s) of the LZTR1 protein. This variant is not present in population databases (gnomAD no frequency). This variant has not been reported in the literature in individuals affected with LZTR1-related conditions. In summary, the available evidence is currently insufficient to determine the role of this variant in disease. Therefore, it has been classified as a Variant of Uncertain Significance.

NM_006767.4(LZTR1):c.2459_2460insTA (p.Ile821fs)

Gene: LZTR1 (leucine zipper like post translational regulator 1; plus strand). Cytogenetic location: 22q11.21.
Variant type: Insertion.
Coding change: c.2459_2460insTA on transcript NM_006767.4 (MANE Select); coding-DNA positions 2459 to 2460, TA inserted.
Protein change: p.Ile821fs; shifts the reading frame from isoleucine 821.
Molecular consequence: frameshift variant.
Genome position: GRCh38 VCF-style: chr22-20997284-T-TTA. GRCh37 (hg19) VCF-style: chr22-21351573-T-TTA.
Other names: c.2459_2460insTA (NM_006767.3); short protein forms I821fs.
Identifiers: ClinVar variation 2797914 (VCV002797914.4), dbSNP rs2518626755, ClinGen allele CA2655463555.
Genomic context (GRCh38, chr22:20,997,284, plus strand): 5'-CCTTACAGGTCTCCAAGTTGCCCACCCTGCGGTCGCTGAGCCAGCAGCTGCTGCTGGACA[T>TTA]CATAGACTCCCTGGCCTCCCACATCTCAGACAAGCAGTGCGCAGAGCTGGGCGCCGACAT-3'